The following is an entry in ClinVar:

ClinVar aggregate classification (germline): Conflicting classifications of pathogenicity. Review status: criteria provided, conflicting classifications (1 of 4 stars). 4 submissions from 3 submitters: Uncertain significance (2); Likely benign (2). Last evaluated 2025-11-12.

Conditions:
Autosomal recessive nonsyndromic hearing loss 7. Also called: DEAFNESS, AUTOSOMAL RECESSIVE 11. Identifiers: Orphanet 90636, MedGen C1832978, MONDO:0010967, OMIM 600974.
Autosomal dominant nonsyndromic hearing loss 36. Identifiers: Orphanet 90635, MedGen C1847626, MONDO:0011708, OMIM 606705.

Allele frequency attached by ClinVar (database versions not stated): TOPMed 0.00019; gnomAD 0.00021 and 0.00023; gnomAD exomes 0.00033; ExAC 0.00042; ESP Exome Variant Server 0.00046.
gnomAD v4.1: 404 of 1,614,128 alleles (0.025%); highest among the groups gnomAD compares: Middle Eastern, 0.26%; 2 homozygotes.

Submissions (4):

GeneDx
Classification: Uncertain significance. Last evaluated: 2025-11-12. Review status: criteria provided, single submitter. Criteria: GeneDx Variant Classification Process June 2021. Collection method: clinical testing. Allele origin: germline. Affected: yes.
Comment: In silico analysis supports that this missense variant does not alter protein structure/function; Has not been previously published as pathogenic or benign to our knowledge

Labcorp Genetics (formerly Invitae), Labcorp
Classification: Likely benign. Last evaluated: 2025-05-13. Review status: criteria provided, single submitter. Criteria: Invitae Variant Classification Sherloc (09022015). Collection method: clinical testing. Allele origin: germline.

Illumina Laboratory Services, Illumina
Classification: Uncertain significance for Autosomal recessive nonsyndromic hearing loss 7. Last evaluated: 2018-01-13. Review status: criteria provided, single submitter. Criteria: ICSL Variant Classification Criteria 13 December 2019. Collection method: clinical testing. Allele origin: germline.

Illumina Laboratory Services, Illumina
Classification: Likely benign for Autosomal dominant nonsyndromic hearing loss 36. Last evaluated: 2018-01-13. Review status: criteria provided, single submitter. Criteria: ICSL Variant Classification Criteria 13 December 2019. Collection method: clinical testing. Allele origin: germline.
Comment: This variant was observed in the ICSL laboratory as part of a predisposition screen in an ostensibly healthy population. It had not been previously curated by ICSL or reported in the Human Gene Mutation Database (HGMD: prior to June 1st, 2018), and was therefore a candidate for classification through an automated scoring system. Utilizing variant allele frequency, disease prevalence and penetrance estimates, and inheritance mode, an automated score was calculated to assess if this variant is too frequent to cause the disease. Based on the score and internal cut-off values, a variant classified as likely benign is not then subjected to further curation. The score for this variant resulted in a classification of likely benign for this disease.

NM_138691.3(TMC1):c.703G>T (p.Ala235Ser)

Gene: TMC1 (transmembrane channel like 1; plus strand). Cytogenetic location: 9q21.13.
Variant type: single nucleotide variant.
Coding change: c.703G>T on transcript NM_138691.3 (MANE Select); coding-DNA position 703, G replaced by T.
Protein change: p.Ala235Ser; replaces alanine 235 with serine.
Molecular consequence: missense variant.
Genome position (GRCh38, 1-based): chr9:72,754,846, G>T. VCF-style: chr9-72754846-G-T. GRCh37 (hg19) VCF-style: chr9-75369762-G-T.
Other names: short protein forms A235S.
Identifiers: ClinVar variation 367254 (VCV000367254.14), dbSNP rs200831684, ClinGen allele CA5081762.